The following is an entry in ClinVar:

NM_002242.4(KCNJ13):c.379C>T (p.Pro127Ser)

Genes: GIGYF2 (GRB10 interacting GYF protein 2; plus strand), KCNJ13 (potassium inwardly rectifying channel subfamily J member 13; minus strand). Cytogenetic location: 2q37.1.
Variant type: single nucleotide variant.
Coding change: c.379C>T on transcript NM_002242.4 (MANE Select); coding-DNA position 379, C replaced by T.
Protein change: p.Pro127Ser; replaces proline 127 with serine.
Molecular consequence: missense variant. On other transcripts: intron variant (5).
Genome position (GRCh38, 1-based): chr2:232,770,984, G>A on the plus strand (C>T on the coding strand, the complement: KCNJ13 is on the minus strand). VCF-style: chr2-232770984-G-A. GRCh37 (hg19) VCF-style: chr2-233635694-G-A.
Other names: c.532+9548G>A (NM_001103148.2, NM_001103146.3, NM_015575.4); c.224+155C>T (NM_001172416.1); c.139C>T, p.Pro47Ser (NM_001172417.1); c.533-5428G>A (NM_001103147.2); short protein forms P127S, P47S.
Identifiers: ClinVar variation 943477 (VCV000943477.9), dbSNP rs1699222183, ClinGen allele CA351013384.

ClinVar aggregate classification (germline): Uncertain significance (1 of 4 stars; one submission).

Allele frequency attached by ClinVar (database versions not stated): gnomAD exomes below 0.00001.
gnomAD v4.1: 3 of 1,614,026 alleles (0.00019%); highest among the groups gnomAD compares: Non-Finnish European, 0.00025%; no homozygotes.

Submission:

Labcorp Genetics (formerly Invitae), Labcorp
Classification: Uncertain significance. Last evaluated: 2025-03-17. Review status: criteria provided, single submitter. Criteria: Invitae Variant Classification Sherloc (09022015). Collection method: clinical testing. Allele origin: germline.
Comment: This sequence change replaces proline, which is neutral and non-polar, with serine, which is neutral and polar, at codon 127 of the KCNJ13 protein (p.Pro127Ser). This variant is not present in population databases (gnomAD no frequency). This variant has not been reported in the literature in individuals affected with KCNJ13-related conditions. ClinVar contains an entry for this variant (Variation ID: 943477). Invitae Evidence Modeling of protein sequence and biophysical properties (such as structural, functional, and spatial information, amino acid conservation, physicochemical variation, residue mobility, and thermodynamic stability) has been performed for this missense variant. However, the output from this modeling did not meet the statistical confidence thresholds required to predict the impact of this variant on KCNJ13 protein function. In summary, the available evidence is currently insufficient to determine the role of this variant in disease. Therefore, it has been classified as a Variant of Uncertain Significance.